The following is an entry in ClinVar:

ClinVar aggregate classification (germline): Pathogenic (1 of 4 stars; one submission).

Conditions:
Tuberous sclerosis 2 (TSC2). Identifiers: Orphanet 805, MedGen C1860707, MONDO:0013199, OMIM 613254.

Submission:

Labcorp Genetics (formerly Invitae), Labcorp
Classification: Pathogenic for Tuberous sclerosis 2. Last evaluated: 2024-02-22. Review status: criteria provided, single submitter. Criteria: Invitae Variant Classification Sherloc (09022015). Collection method: clinical testing. Allele origin: germline.
Comment: This sequence change creates a premature translational stop signal (p.Tyr875*) in the TSC2 gene. It is expected to result in an absent or disrupted protein product. Loss-of-function variants in TSC2 are known to be pathogenic (PMID: 10205261, 17304050). This variant is not present in population databases (gnomAD no frequency). This variant has not been reported in the literature in individuals affected with TSC2-related conditions. For these reasons, this variant has been classified as Pathogenic.

Literature cited by the submitters: PubMed 10205261; PubMed 17304050.

NM_000548.5(TSC2):c.2625C>A (p.Tyr875Ter)

Gene: TSC2 (TSC complex subunit 2; plus strand). Cytogenetic location: 16p13.3.
Variant type: single nucleotide variant.
Coding change: c.2625C>A on transcript NM_000548.5 (MANE Select); coding-DNA position 2625, C replaced by A.
Protein change: p.Tyr875Ter; replaces tyrosine 875 with a stop codon.
Molecular consequence: nonsense. On other transcripts: non-coding transcript variant (5).
Genome position (GRCh38, 1-based): chr16:2,075,878, C>A. VCF-style: chr16-2075878-C-A. GRCh37 (hg19) VCF-style: chr16-2125879-C-A.
Other names: c.2625C>A, p.Tyr875Ter (NM_001114382.3, NM_001363528.2, NM_001077183.3 and 6 more transcripts); c.2514C>A, p.Tyr838Ter (NM_001318827.2, NM_001406678.1, NM_001406670.1); c.2478C>A, p.Tyr826Ter (NM_001318829.2, NM_001406675.1, NM_001406676.1 and 1 more transcripts); c.2025C>A, p.Tyr675Ter (NM_001318831.2, NM_001406680.1, NM_001406682.1 and 6 more transcripts); c.2658C>A, p.Tyr886Ter (NM_001318832.2); c.2613C>A, p.Tyr871Ter (NM_001406673.1, NM_001406671.1); c.2568C>A, p.Tyr856Ter (NM_001406677.1); c.2163C>A, p.Tyr721Ter (NM_001406681.1); and 3 more; short protein forms Y675*, Y856*, Y905*, Y871*, Y341*, Y721*, Y826*, Y838*.
Identifiers: ClinVar variation 3642439 (VCV003642439.2).